The following is an entry in ClinVar:

NM_001991.5(EZH1):c.1660+1G>A

Gene: EZH1 (enhancer of zeste 1 polycomb repressive complex 2 subunit; minus strand). Cytogenetic location: 17q21.2.
Variant type: single nucleotide variant.
Coding change: c.1660+1G>A on transcript NM_001991.5 (MANE Select); the canonical splice donor site of the intron after coding-DNA position 1660, G replaced by A.
Molecular consequence: splice donor variant.
Genome position (GRCh38, 1-based): chr17:42,707,957, C>T on the plus strand (G>A on the coding strand, the complement: EZH1 is on the minus strand). VCF-style: chr17-42707957-C-T. GRCh37 (hg19) VCF-style: chr17-40859975-C-T.
Other names: c.1678+1G>A (NM_001321079.2); c.1633+1G>A (NM_001321081.2); c.1540+1G>A (NM_001321082.2).
Identifiers: ClinVar variation 4538614 (VCV004538614.1).

ClinVar aggregate classification (germline): Likely pathogenic (1 of 4 stars; one submission).

Submission:

GeneDx
Classification: Likely pathogenic. Last evaluated: 2025-06-17. Review status: criteria provided, single submitter. Criteria: GeneDx Variant Classification Process June 2021. Collection method: clinical testing. Allele origin: germline. Affected: yes.
Comment: Canonical splice site variant predicted to result in an in-frame loss of the adjacent exon in a gene for which loss of function is a known mechanism of disease; Not observed at significant frequency in large population cohorts (gnomAD); Has not been previously published as pathogenic or benign to our knowledge